The following is an entry in ClinVar:

NM_201596.3(CACNB2):c.1959C>G (p.Asn653Lys)

Gene: CACNB2 (calcium voltage-gated channel auxiliary subunit beta 2; plus strand). Cytogenetic location: 10p12.31.
Variant type: single nucleotide variant.
Coding change: c.1959C>G on transcript NM_201596.3 (MANE Select); coding-DNA position 1959, C replaced by G.
Protein change: p.Asn653Lys; replaces asparagine 653 with lysine.
Molecular consequence: missense variant.
Genome position (GRCh38, 1-based): chr10:18,539,700, C>G. VCF-style: chr10-18539700-C-G. GRCh37 (hg19) VCF-style: chr10-18828629-C-G.
Other names: c.1794C>G, p.Asn598Lys (NM_000724.4); c.1761C>G, p.Asn587Lys (NM_001167945.2); c.1680C>G, p.Asn560Lys (NM_001330060.2); c.1815C>G, p.Asn605Lys (NM_201570.3); c.1875C>G, p.Asn625Lys (NM_201571.4); c.1803C>G, p.Asn601Lys (NM_201572.4); c.1797C>G, p.Asn599Lys (NM_201590.3); c.1845C>G, p.Asn615Lys (NM_201593.3); and 1 more; short protein forms N601K, N560K, N598K, N599K, N615K, N625K, N587K, N605K.
Identifiers: ClinVar variation 1041230 (VCV001041230.8), dbSNP rs1414134597, ClinGen allele CA376072912.
Genomic context (GRCh38, chr10:18,539,700, plus strand): 5'-CTACTGTGAAAAGGATGGAGAAGTGATATCAAAAAAACGGAATGAGGCTGGGGAGTGGAA[C>G]AGGGATGTTTACATCCGCCAATGAGTTTTGCCCGTTTGTGTTTTTTTTTTTTTTTTTTTG-3'
Protein context (NP_963890.2, residues 643-660): SKKRNEAGEW[Asn653Lys]RDVYIRQ

ClinVar aggregate classification (germline): Uncertain significance (1 of 4 stars; one submission).

Conditions:
Brugada syndrome 4 (BRGDA4). Identifiers: Orphanet 130, MedGen C2678477, MONDO:0012743, OMIM 611876.

Allele frequency attached by ClinVar (database versions not stated): TOPMed below 0.00001.
gnomAD v4.1: 1 of 1,608,116 alleles (0.000062%); highest among the groups gnomAD compares: Non-Finnish European, 0.000085%; no homozygotes.

Submission:

Labcorp Genetics (formerly Invitae), Labcorp
Classification: Uncertain significance for Brugada syndrome 4. Last evaluated: 2022-11-08. Review status: criteria provided, single submitter. Criteria: Invitae Variant Classification Sherloc (09022015). Collection method: clinical testing. Allele origin: germline.
Comment: This sequence change replaces asparagine, which is neutral and polar, with lysine, which is basic and polar, at codon 599 of the CACNB2 protein (p.Asn599Lys). In summary, the available evidence is currently insufficient to determine the role of this variant in disease. Therefore, it has been classified as a Variant of Uncertain Significance. Algorithms developed to predict the effect of missense changes on protein structure and function (SIFT, PolyPhen-2, Align-GVGD) all suggest that this variant is likely to be tolerated. ClinVar contains an entry for this variant (Variation ID: 1041230). This variant has not been reported in the literature in individuals affected with CACNB2-related conditions. This variant is not present in population databases (gnomAD no frequency).